The following is an entry in ClinVar:

ClinVar aggregate classification (germline): Likely benign (1 of 4 stars; one submission).

gnomAD v4.1: 2 of 1,614,068 alleles (0.00012%); highest among the groups gnomAD compares: Non-Finnish European, 0.00017%; no homozygotes.

Submission:

CeGaT Center for Human Genetics Tuebingen
Classification: Likely benign. Last evaluated: 2025-08-01. Review status: criteria provided, single submitter. Criteria: CeGaT Center For Human Genetics Tuebingen Variant Classification Criteria Version 2. Collection method: clinical testing. Allele origin: germline. Affected: yes. Observed: 1 variant allele.
Comment: MED13L: BP4, BP7

NM_015335.5(MED13L):c.1383T>C (p.Pro461=)

Gene: MED13L (mediator complex subunit 13L; minus strand). Cytogenetic location: 12q24.21.
Variant type: single nucleotide variant.
Coding change: c.1383T>C on transcript NM_015335.5 (MANE Select); coding-DNA position 1383, T replaced by C.
Protein change: p.Pro461=; no amino-acid change (proline 461 retained).
Molecular consequence: synonymous variant.
Genome position (GRCh38, 1-based): chr12:116,009,030, A>G on the plus strand (T>C on the coding strand, the complement: MED13L is on the minus strand). VCF-style: chr12-116009030-A-G. GRCh37 (hg19) VCF-style: chr12-116446835-A-G.
Identifiers: ClinVar variation 4084956 (VCV004084956.8).
Genomic context (GRCh38, chr12:116,009,030, plus strand): 5'-CTTTTGCAGCTTGTCTCCTTTTTCCTGTCTTTCTGCTGTTTTGTGCTTAGAAGAAGCAGG[A>G]GGTGGTAAAGATGAAGATGATGATGGTCCTGCACTGAACCCTGGTTGAGATACTGTGGGA-3'
Protein context (NP_056150.1, residues 451-471): AGPSSSSSLP[Pro461=]PASSKHKTAE